The following is an entry in ClinVar:

NM_002693.3(POLG):c.331G>C (p.Gly111Arg)

Genes: POLG (DNA polymerase gamma, catalytic subunit; minus strand), POLGARF (POLG alternative reading frame; minus strand). Cytogenetic location: 15q26.1.
Variant type: single nucleotide variant.
Coding change: c.331G>C on transcript NM_002693.3 (MANE Select); coding-DNA position 331, G replaced by C.
Protein change: p.Gly111Arg; replaces glycine 111 with arginine.
Molecular consequence: missense variant.
Genome position (GRCh38, 1-based): chr15:89,333,424, C>G on the plus strand (G>C on the coding strand, the complement: POLG is on the minus strand). VCF-style: chr15-89333424-C-G. GRCh37 (hg19) VCF-style: chr15-89876655-C-G.
Other names: p.Gly111Arg; c.331G>C, p.Gly111Arg (NM_001126131.2); c.331G>C (NM_002693.2); short protein forms G111R.
Identifiers: ClinVar variation 807308 (VCV000807308.51), dbSNP rs760170099, ClinGen allele CA7725133.

ClinVar aggregate classification (germline): Uncertain significance. Review status: criteria provided, multiple submitters, no conflicts (2 of 4 stars). 6 submissions from 6 submitters: Uncertain significance (6). Last evaluated 2025-11-01.

Conditions:
Progressive sclerosing poliodystrophy (MTDPS4A). Also called: ALPERS PROGRESSIVE INFANTILE POLIODYSTROPHY; Alpers-Huttenlocher Syndrome (AHS); Alpers Syndrome; Mitochondrial DNA Depletion Syndrome 4A; NEURONAL DEGENERATION OF CHILDHOOD WITH LIVER DISEASE, PROGRESSIVE; Mitochondrial DNA depletion syndrome 4A (Alpers type). Identifiers: Orphanet 726, MedGen C0205710, MONDO:0008758, OMIM 203700.
Sensory ataxic neuropathy, dysarthria, and ophthalmoparesis (SANDO). Also called: Epilepsy, progressive myoclonic, type 5; SENSORY ATAXIC NEUROPATHY WITH MITOCHONDRIAL DNA DELETIONS, AUTOSOMAL RECESSIVE; Ataxia Neuropathy Spectrum (ANS); Sensory ataxic neuropathy-dysarthria-ophthalmoparesis syndrome. Identifiers: Orphanet 70595, MedGen C1843851, MONDO:0011835, OMIM 607459.
Mitochondrial DNA depletion syndrome 1. Also called: Mitochondrial neurogastrointestinal encephalomyopathy syndrome; POLIP SYNDROME; POLYNEUROPATHY, OPHTHALMOPLEGIA, LEUKOENCEPHALOPATHY, AND INTESTINAL PSEUDOOBSTRUCTION; Mitochondrial DNA depletion syndrome 1 (MNGIE type); Mitochondrial DNA Depletion Syndrome, MNGIE Form; Mitochondrial Neurogastrointestinal Encephalopathy Disease. Identifiers: Orphanet 298, MedGen C4551995, MONDO:0011283, OMIM 603041.
Progressive external ophthalmoplegia with mitochondrial DNA deletions, autosomal dominant 1 (PEOA1). Also called: Autosomal Dominant Progressive External Ophthalmoplegia (adPEO); PROGRESSIVE EXTERNAL OPHTHALMOPLEGIA, AUTOSOMAL DOMINANT 1. Identifiers: MedGen C1834846, MONDO:0024528, OMIM 157640.
Progressive external ophthalmoplegia with mitochondrial DNA deletions, autosomal recessive 1 (PEOB1). Also called: Progressive external ophthalmoplegia, autosomal recessive 1; Autosomal Recessive Progressive External Ophthalmoplegia (arPEO). Identifiers: Orphanet 254886, MedGen C4225153, MONDO:0009783, OMIM 258450.
Mitochondrial DNA depletion syndrome 4b. Also called: Mitochondrial Neurogastrointestinal Encephalopathy Disease, POLG-Related; MNGIE, POLG-RELATED. Identifiers: Orphanet 298, MedGen C3150914, MONDO:0013350, OMIM 613662.
POLG-related disorder. Also called: POLG-related condition; POLG-Related Disorders; POLG-Related Spectrum Disorders. Identifiers: MedGen C4763519.

Allele frequency attached by ClinVar (database versions not stated): gnomAD exomes 0.00001; ExAC 0.00002; gnomAD 0.00003 and 0.00004; TOPMed 0.00003.
gnomAD v4.1: 12 of 1,607,716 alleles (0.00075%); highest among the groups gnomAD compares: African/African-American, 0.0093%; no homozygotes.

Submissions (6):

Mayo Clinic Laboratories, Mayo Clinic
Classification: Uncertain significance. Last evaluated: 2025-11-01. Review status: criteria provided, single submitter. Criteria: ACMG Guidelines, 2015. Collection method: clinical testing. Allele origin: germline. Observed: 1 variant allele.
Comment: PP3

PreventionGenetics, part of Exact Sciences
Classification: Uncertain significance for POLG-related condition. Last evaluated: 2025-03-31. Review status: criteria provided, single submitter. Criteria: ACMG Guidelines, 2015. Collection method: clinical testing. Allele origin: germline.
Comment: The POLG c.331G>C variant is predicted to result in the amino acid substitution p.Gly111Arg. To our knowledge, this variant has not been reported in the literature. This variant is reported in 0.0084% of alleles in individuals of African descent in gnomAD. At this time, the clinical significance of this variant is uncertain due to the absence of conclusive functional and genetic evidence.

Labcorp Genetics (formerly Invitae), Labcorp
Classification: Uncertain significance for Progressive sclerosing poliodystrophy. Last evaluated: 2024-04-25. Review status: criteria provided, single submitter. Criteria: Invitae Variant Classification Sherloc (09022015). Collection method: clinical testing. Allele origin: germline.
Comment: This sequence change replaces glycine, which is neutral and non-polar, with arginine, which is basic and polar, at codon 111 of the POLG protein (p.Gly111Arg). The frequency data for this variant in the population databases is considered unreliable, as metrics indicate poor data quality at this position in the gnomAD database. This variant has not been reported in the literature in individuals affected with POLG-related conditions. ClinVar contains an entry for this variant (Variation ID: 807308). Advanced modeling of protein sequence and biophysical properties (such as structural, functional, and spatial information, amino acid conservation, physicochemical variation, residue mobility, and thermodynamic stability) performed at Invitae indicates that this missense variant is expected to disrupt POLG protein function with a positive predictive value of 95%. In summary, the available evidence is currently insufficient to determine the role of this variant in disease. Therefore, it has been classified as a Variant of Uncertain Significance.

Fulgent Genetics
Classification: Uncertain significance for Progressive external ophthalmoplegia with mitochondrial DNA deletions, autosomal dominant 1; Progressive sclerosing poliodystrophy; Progressive external ophthalmoplegia with mitochondrial DNA deletions, autosomal recessive 1; Mitochondrial DNA depletion syndrome 1; Sensory ataxic neuropathy, dysarthria, and ophthalmoparesis; Mitochondrial DNA depletion syndrome 4b. Last evaluated: 2021-07-11. Review status: criteria provided, single submitter. Criteria: ACMG Guidelines, 2015. Collection method: clinical testing. Allele origin: unknown.

CeGaT Center for Human Genetics Tuebingen
Classification: Uncertain significance. Last evaluated: 2017-01-01. Review status: criteria provided, single submitter. Criteria: CeGaT Center For Human Genetics Tuebingen Variant Classification Criteria Version 2. Collection method: clinical testing. Allele origin: germline. Affected: yes. Observed: 1 variant allele.

Center for Genomics, Ann and Robert H. Lurie Children's Hospital of Chicago
Classification: Uncertain significance for Progressive sclerosing poliodystrophy; Mitochondrial DNA depletion syndrome 4b; Sensory ataxic neuropathy, dysarthria, and ophthalmoparesis; Progressive external ophthalmoplegia with mitochondrial DNA deletions, autosomal dominant 1; Progressive external ophthalmoplegia with mitochondrial DNA deletions, autosomal recessive 1. Review status: criteria provided, single submitter. Criteria: ACMG Guidelines, 2015. Collection method: clinical testing. Allele origin: germline.
Comment: POLG NM_002693.2 exon 2 p.Gly111Arg (c.331G>C): This variant has not been reported in the literature but is present in 0.01% (5/41474) of African alleles in the Genome Aggregation Database. This variant is present in ClinVar (Variation ID:807308). Evolutionary conservation suggests that this variant may not impact the protein; computational predictive tools for this variant are unclear. In summary, data on this variant is insufficient for disease classification. Therefore, the clinical significance of this variant is uncertain.